The following is an entry in ClinVar:

NM_000551.4(VHL):c.340+688C>G

Genes: VHL (von Hippel-Lindau tumor suppressor; plus strand), LOC107303340 (3p25 von Hippel-Lindau tumor suppressor, E3 ubiquitin protein ligase Alu-mediated recombination region; plus strand). Cytogenetic location: 3p25.3.
Variant type: single nucleotide variant.
Coding change: c.340+688C>G on transcript NM_000551.4 (MANE Select); 688 bases into the intron after coding-DNA position 340, C replaced by G.
Molecular consequence: intron variant. On other transcripts: synonymous variant (1), non-coding transcript variant (1).
Genome position (GRCh38, 1-based): chr3:10,142,875, C>G. VCF-style: chr3-10142875-C-G. GRCh37 (hg19) VCF-style: chr3-10184559-C-G.
Other names: c.453C>G, p.Gly151= (NM_001354723.2); c.340+688C>G (NM_198156.3).
Identifiers: ClinVar variation 2014452 (VCV002014452.4), dbSNP rs1696160788, ClinGen allele CA2580068433.

ClinVar aggregate classification (germline): Uncertain significance (1 of 4 stars; one submission).

Conditions:
Chuvash polycythemia. Also called: POLYCYTHEMIA, VHL-DEPENDENT. Identifiers: Orphanet 238557, MedGen C1837915, MONDO:0009892, OMIM 263400.
Von Hippel-Lindau syndrome (VHLS). Also called: von Hippel–Lindau syndrome; VHL syndrome; Von Hippel-Lindau. Identifiers: Orphanet 892, MedGen C0019562, MONDO:0008667, OMIM 193300. Disease mechanism: loss of function.

Submission:

Labcorp Genetics (formerly Invitae), Labcorp
Classification: Uncertain significance for Von Hippel-Lindau syndrome; Chuvash polycythemia. Last evaluated: 2022-07-07. Review status: criteria provided, single submitter. Criteria: Invitae Variant Classification Sherloc (09022015). Collection method: clinical testing. Allele origin: germline.
Comment: This sequence change falls in intron 1 of the VHL gene. It is not expected to change the encoded amino acid sequence of the VHL protein. However, this sequence change falls within a cryptic exon in the VHL gene, known as exon E1’, which is naturally expressed at low levels in several human tissues (PMID: 29891534). This variant is not present in population databases (gnomAD no frequency). This variant has not been reported in the literature in individuals affected with VHL-related conditions. Experimental studies and prediction algorithms are not available or were not evaluated, and the functional significance of this variant is currently unknown. Algorithms developed to predict the effect of sequence changes on RNA splicing suggest that this variant is not likely to affect RNA splicing. In summary, the available evidence is currently insufficient to determine the role of this variant in disease. Therefore, it has been classified as a Variant of Uncertain Significance.

Literature cited by the submitters: PubMed 29891534.